The following is an entry in ClinVar:

NM_001378615.1(CC2D2A):c.3535G>T (p.Glu1179Ter)

Genes: CC2D2A (coiled-coil and C2 domain containing 2A; plus strand), FBXL5 (F-box and leucine rich repeat protein 5; minus strand). Cytogenetic location: 4p15.32.
Variant type: single nucleotide variant.
Coding change: c.3535G>T on transcript NM_001378615.1 (MANE Select); coding-DNA position 3535, G replaced by T.
Protein change: p.Glu1179Ter; replaces glutamic acid 1179 with a stop codon.
Molecular consequence: nonsense.
Genome position (GRCh38, 1-based): chr4:15,570,437, G>T. VCF-style: chr4-15570437-G-T. GRCh37 (hg19) VCF-style: chr4-15572060-G-T.
Other names: c.3388G>T, p.Glu1130Ter (NM_001378617.1); c.3535G>T, p.Glu1179Ter (NM_001080522.2); short protein forms E1130*, E1179*.
Identifiers: ClinVar variation 1904397 (VCV001904397.6), dbSNP rs767783281, ClinGen allele CA2864199.
Genomic context (GRCh38, chr4:15,570,437, plus strand): 5'-TACTTCCCACCCTTCCTTTAGGATGACCGTGAAAGAGGAAGTGGAATCCATACTCGTATT[G>T]AGAGACACTGGCTGGGATGTGTGAAAATGCCATTTAGCACAATATATTTCCAAGCAAGGG-3'

ClinVar aggregate classification (germline): Pathogenic/Likely pathogenic. Review status: criteria provided, multiple submitters, no conflicts (2 of 4 stars). 2 submissions from 2 submitters: Pathogenic (1); Likely pathogenic (1). Last evaluated 2023-12-29.

Conditions:
Retinitis pigmentosa 93. Identifiers: MedGen C5676970, MONDO:0030797, OMIM 619845.
COACH syndrome 2. Identifiers: MedGen C5436837, MONDO:0030859, OMIM 619111.
Meckel syndrome, type 6. Identifiers: Orphanet 564, MedGen C2676790, MONDO:0012848, OMIM 612284.
Joubert syndrome 9 (JBTS9). Identifiers: Orphanet 2318, MedGen C2676788, MONDO:0012849, OMIM 612285.
Joubert syndrome. Also called: Familial aplasia of the vermis; JOUBERT-BOLTSHAUSER SYNDROME. Identifiers: Orphanet 475, MedGen C5979921, MONDO:0018772.
Meckel-Gruber syndrome. Also called: Dysencephalia splachnocystica; DYSENCEPHALIA SPLANCHNOCYSTICA; GRUBER SYNDROME. Identifiers: Orphanet 564, MedGen C0265215, MONDO:0018921.

Allele frequency attached by ClinVar (database versions not stated): gnomAD exomes 0.00001; ExAC 0.00007.
gnomAD v4.1: 7 of 1,608,142 alleles (0.00044%); highest among the groups gnomAD compares: South Asian, 0.0078%; no homozygotes.

Submissions (2):

Fulgent Genetics
Classification: Likely pathogenic for Meckel syndrome, type 6; Joubert syndrome 9; COACH syndrome 2; Retinitis pigmentosa 93. Last evaluated: 2023-12-29. Review status: criteria provided, single submitter. Criteria: ACMG Guidelines, 2015. Collection method: clinical testing. Allele origin: germline.

Labcorp Genetics (formerly Invitae), Labcorp
Classification: Pathogenic for Joubert syndrome; Meckel-Gruber syndrome. Last evaluated: 2022-12-29. Review status: criteria provided, single submitter. Criteria: Invitae Variant Classification Sherloc (09022015). Collection method: clinical testing. Allele origin: germline.
Comment: This variant is present in population databases (rs767783281, gnomAD 0.02%). This sequence change creates a premature translational stop signal (p.Glu1179*) in the CC2D2A gene. It is expected to result in an absent or disrupted protein product. Loss-of-function variants in CC2D2A are known to be pathogenic (PMID: 19777577). For these reasons, this variant has been classified as Pathogenic. This variant has not been reported in the literature in individuals affected with CC2D2A-related conditions.

Literature cited by the submitters: PubMed 19777577 (cited by Labcorp Genetics (formerly Invitae), Labcorp).